The following is an entry in ClinVar:

NM_006734.4(HIVEP2):c.3119C>A (p.Pro1040Gln)

Gene: HIVEP2 (HIVEP zinc finger 2; minus strand). Cytogenetic location: 6q24.2.
Variant type: single nucleotide variant.
Coding change: c.3119C>A on transcript NM_006734.4 (MANE Select); coding-DNA position 3119, C replaced by A.
Protein change: p.Pro1040Gln; replaces proline 1040 with glutamine.
Molecular consequence: missense variant.
Genome position (GRCh38, 1-based): chr6:142,771,620, G>T on the plus strand (C>A on the coding strand, the complement: HIVEP2 is on the minus strand). VCF-style: chr6-142771620-G-T. GRCh37 (hg19) VCF-style: chr6-143092757-G-T.
Other names: c.3119C>A (NM_006734.3); short protein forms P1040Q.
Identifiers: ClinVar variation 2960161 (VCV002960161.6), dbSNP rs755190455, ClinGen allele CA4028316.

ClinVar aggregate classification (germline): Likely benign. Review status: criteria provided, multiple submitters, no conflicts (2 of 4 stars). 3 submissions from 3 submitters: Likely benign (2). 1 of the submissions does not count toward it. Last evaluated 2024-12-02.

Conditions:
HIVEP2-related disorder. Also called: HIVEP2-related condition.
Inborn genetic diseases. Identifiers: MedGen C0950123, MeSH D030342.

Allele frequency attached by ClinVar (database versions not stated): gnomAD 0.00003.
gnomAD v4.1: 53 of 1,614,046 alleles (0.0033%); highest among the groups gnomAD compares: Non-Finnish European, 0.0042%; no homozygotes.

Submissions (3):

Labcorp Genetics (formerly Invitae), Labcorp
Classification: Likely benign. Last evaluated: 2024-12-02. Review status: criteria provided, single submitter. Criteria: Invitae Variant Classification Sherloc (09022015). Collection method: clinical testing. Allele origin: germline.

Ambry Genetics
Classification: Likely benign for Inborn genetic diseases. Last evaluated: 2023-12-04. Review status: criteria provided, single submitter. Criteria: Ambry Variant Classification Scheme 2023. Collection method: clinical testing. Allele origin: germline.

PreventionGenetics, part of Exact Sciences
Classification: Uncertain significance for HIVEP2-related condition. Last evaluated: 2023-10-30. Review status: no assertion criteria provided. Collection method: clinical testing. Allele origin: germline. Not counted in ClinVar's aggregate classification.
Comment: The HIVEP2 c.3119C>A variant is predicted to result in the amino acid substitution p.Pro1040Gln. To our knowledge, this variant has not been reported in the literature. This variant is reported in 0.0054% of alleles in individuals of European (Non-Finnish) descent in gnomAD. At this time, the clinical significance of this variant is uncertain due to the absence of conclusive functional and genetic evidence.